The following is an entry in ClinVar:

NM_001283009.2(RTEL1):c.2269C>A (p.Pro757Thr)

Genes: RTEL1 (regulator of telomere elongation helicase 1; plus strand), RTEL1-TNFRSF6B (RTEL1-TNFRSF6B readthrough (NMD candidate); plus strand). Cytogenetic location: 20q13.33.
Variant type: single nucleotide variant.
Coding change: c.2269C>A on transcript NM_001283009.2 (MANE Select); coding-DNA position 2269, C replaced by A.
Protein change: p.Pro757Thr; replaces proline 757 with threonine.
Molecular consequence: missense variant. On other transcripts: non-coding transcript variant (1).
Genome position (GRCh38, 1-based): chr20:63,690,297, C>A. VCF-style: chr20-63690297-C-A. GRCh37 (hg19) VCF-style: chr20-62321650-C-A.
Other names: c.1600C>A, p.Pro534Thr (NM_001283010.1); c.2269C>A, p.Pro757Thr (NM_016434.4); c.2341C>A, p.Pro781Thr (NM_032957.5); short protein forms P534T, P757T, P781T.
Identifiers: ClinVar variation 1018184 (VCV001018184.7), dbSNP rs1348818075, ClinGen allele CA409680752.

ClinVar aggregate classification (germline): Uncertain significance. Review status: criteria provided, multiple submitters, no conflicts (2 of 4 stars). 2 submissions from 2 submitters: Uncertain significance (2). Last evaluated 2026-04-28.

Conditions:
Inborn genetic diseases. Identifiers: MedGen C0950123, MeSH D030342.
Pulmonary fibrosis and/or bone marrow failure, Telomere-related, 3. Also called: PULMONARY FIBROSIS AND/OR BONE MARROW FAILURE SYNDROME, TELOMERE-RELATED, 3. Identifiers: Orphanet 2032, MedGen C4225346, MONDO:0014613, OMIM 616373.
Dyskeratosis congenita, autosomal recessive 5 (DKCB5). Identifiers: MedGen C3554656, MONDO:0014076, OMIM 615190.

Allele frequency attached by ClinVar (database versions not stated): gnomAD exomes 0.00001.
gnomAD v4.1: 11 of 1,604,794 alleles (0.00069%); highest among the groups gnomAD compares: Non-Finnish European, 0.00085%; no homozygotes.

Submissions (2):

Ambry Genetics
Classification: Uncertain significance for Inborn genetic diseases. Last evaluated: 2026-04-28. Review status: criteria provided, single submitter. Criteria: Ambry Variant Classification Scheme 2023. Collection method: clinical testing. Allele origin: germline.
Comment: The p.P757T variant (also known as c.2269C>A), located in coding exon 25 of the RTEL1 gene, results from a C to A substitution at nucleotide position 2269. The proline at codon 757 is replaced by threonine, an amino acid with highly similar properties. This amino acid position is conserved. In addition, this alteration is predicted to be tolerated by in silico analysis. Based on the available evidence, the clinical significance of this variant remains unclear.

Labcorp Genetics (formerly Invitae), Labcorp
Classification: Uncertain significance for Dyskeratosis congenita, autosomal recessive 5; Pulmonary fibrosis and/or bone marrow failure, Telomere-related, 3. Last evaluated: 2021-08-13. Review status: criteria provided, single submitter. Criteria: Invitae Variant Classification Sherloc (09022015). Collection method: clinical testing. Allele origin: germline.
Comment: This sequence change replaces proline with threonine at codon 757 of the RTEL1 protein (p.Pro757Thr). The proline residue is moderately conserved and there is a small physicochemical difference between proline and threonine. This variant is not present in population databases (ExAC no frequency). This variant has not been reported in the literature in individuals affected with RTEL1-related conditions. Algorithms developed to predict the effect of missense changes on protein structure and function are either unavailable or do not agree on the potential impact of this missense change (SIFT: "Tolerated"; PolyPhen-2: "Probably Damaging"; Align-GVGD: "Class C0"). In summary, the available evidence is currently insufficient to determine the role of this variant in disease. Therefore, it has been classified as a Variant of Uncertain Significance.